The following is an entry in ClinVar:

ClinVar aggregate classification (germline): Uncertain significance (1 of 4 stars; one submission).

Conditions:
Fanconi anemia (FA). Also called: Fanconi's anemia. Identifiers: Orphanet 84, MedGen C0015625, MeSH D005199, MONDO:0019391.

Submission:

Labcorp Genetics (formerly Invitae), Labcorp
Classification: Uncertain significance for Fanconi anemia. Last evaluated: 2022-03-24. Review status: criteria provided, single submitter. Criteria: Invitae Variant Classification Sherloc (09022015). Collection method: clinical testing. Allele origin: germline.
Comment: In summary, the available evidence is currently insufficient to determine the role of this variant in disease. Therefore, it has been classified as a Variant of Uncertain Significance. Algorithms developed to predict the effect of missense changes on protein structure and function (SIFT, PolyPhen-2, Align-GVGD) all suggest that this variant is likely to be tolerated. This variant has not been reported in the literature in individuals affected with FANCB-related conditions. This variant is not present in population databases (gnomAD no frequency). This sequence change replaces aspartic acid, which is acidic and polar, with glutamic acid, which is acidic and polar, at codon 51 of the FANCB protein (p.Asp51Glu).

NM_001018113.3(FANCB):c.153C>G (p.Asp51Glu)

Gene: FANCB (FA complementation group B; minus strand). Cytogenetic location: Xp22.2.
Variant type: single nucleotide variant.
Coding change: c.153C>G on transcript NM_001018113.3 (MANE Select); coding-DNA position 153, C replaced by G.
Protein change: p.Asp51Glu; replaces aspartic acid 51 with glutamic acid.
Molecular consequence: missense variant. On other transcripts: non-coding transcript variant (1).
Genome position (GRCh38, 1-based): chrX:14,865,358, G>C on the plus strand (C>G on the coding strand, the complement: FANCB is on the minus strand). VCF-style: chrX-14865358-G-C. GRCh37 (hg19) VCF-style: chrX-14883480-G-C.
Other names: c.153C>G, p.Asp51Glu (NM_001324162.2, NM_001410764.1, NM_152633.4); short protein forms D51E.
Identifiers: ClinVar variation 2030132 (VCV002030132.4), dbSNP rs777646355, ClinGen allele CA412445162.
Genomic context (GRCh38, chrX:14,865,358, plus strand): 5'-GTTTTCTTCCTTTATGGTAAAAAATCCAGTGGACTTCTGAACAAATACTTTTGTTCCTCT[G>C]TCAAATACCATTCTTCTGACATGTAATATGGGTGTTTTTGTAGGCTCTTTATCTGCAAAA-3'
Protein context (NP_001018123.1, residues 41-61): PILHVRRMVF[Asp51Glu]RGTKVFVQKS